The following is an entry in ClinVar:

NM_001366145.2(TRPM3):c.4488C>A (p.Asn1496Lys)

Genes: KLF9-DT (KLF9 divergent transcript; plus strand), TRPM3 (transient receptor potential cation channel subfamily M member 3; minus strand). Cytogenetic location: 9q21.12.
Variant type: single nucleotide variant.
Coding change: c.4488C>A on transcript NM_001366145.2 (MANE Select); coding-DNA position 4488, C replaced by A.
Protein change: p.Asn1496Lys; replaces asparagine 1496 with lysine.
Molecular consequence: missense variant. On other transcripts: intron variant (8).
Genome position (GRCh38, 1-based): chr9:70,536,625, G>T on the plus strand (C>A on the coding strand, the complement: TRPM3 is on the minus strand). VCF-style: chr9-70536625-G-T. GRCh37 (hg19) VCF-style: chr9-73151541-G-T.
Other names: c.4452C>A, p.Asn1484Lys (NM_001007471.4); c.4458C>A, p.Asn1486Lys (NM_001366141.2, NM_001366149.2); c.4563C>A, p.Asn1521Lys (NM_001366147.2); c.3993C>A, p.Asn1331Lys (NM_020952.6); c.4029C>A, p.Asn1343Lys (NM_024971.7); c.3963C>A, p.Asn1321Lys (NM_206944.5); c.3999C>A, p.Asn1333Lys (NM_206945.5); c.4068C>A, p.Asn1356Lys (NM_206946.5); and 9 more; short protein forms N1321K, N1331K, N1333K, N1343K, N1346K, N1356K, N1484K, N1486K.
Identifiers: ClinVar variation 4527750 (VCV004527750.1).

ClinVar aggregate classification (germline): Uncertain significance (1 of 4 stars; one submission).

gnomAD v4.1: 1 of 1,613,962 alleles (0.000062%); highest among the groups gnomAD compares: African/African-American, 0.0013%; no homozygotes.

Submission:

GeneDx
Classification: Uncertain significance. Last evaluated: 2025-04-30. Review status: criteria provided, single submitter. Criteria: GeneDx Variant Classification Process June 2021. Collection method: clinical testing. Allele origin: germline. Affected: yes.
Comment: Not observed at significant frequency in large population cohorts (gnomAD); In silico analysis indicates that this missense variant does not alter protein structure/function; Has not been previously published as pathogenic or benign to our knowledge